The following is an entry in ClinVar:

NM_001267550.2(TTN):c.54381+49T>C

Genes: TTN (titin; minus strand), TTN-AS1 (TTN antisense RNA 1; plus strand). Cytogenetic location: 2q31.2.
Variant type: single nucleotide variant.
Coding change: c.54381+49T>C on transcript NM_001267550.2 (MANE Select); 49 bases into the intron after coding-DNA position 54381, T replaced by C.
Molecular consequence: intron variant.
Genome position (GRCh38, 1-based): chr2:178,604,659, A>G on the plus strand (T>C on the coding strand, the complement: TTN is on the minus strand). VCF-style: chr2-178604659-A-G. GRCh37 (hg19) VCF-style: chr2-179469386-A-G.
Other names: c.27186+49T>C (NM_003319.4); c.27762+49T>C (NM_133437.4); c.27561+49T>C (NM_133432.3); c.46677+49T>C (NM_133378.4); c.49458+49T>C (NM_001256850.1).
Identifiers: ClinVar variation 671286 (VCV000671286.2), dbSNP rs10497518, ClinGen allele CA1993642.
Genomic context (GRCh38, chr2:178,604,659, plus strand): 5'-CGTGTGTGGTTTTGAGTTTAATTATCAAATTCCAAGGTTATATTAAAATGGCATCAAACC[A>G]GAGTCATGTACTTTTAATGTGTATAAGAAAATATTCAGAAGAGTTTACCCCATATCTTTT-3'

ClinVar aggregate classification (germline): Benign. Review status: criteria provided, multiple submitters, no conflicts (2 of 4 stars). 2 submissions from 2 submitters: Benign (2). Last evaluated 2018-06-14.

Allele frequency attached by ClinVar (database versions not stated): gnomAD exomes 0.04702 and 0.07181; ESP Exome Variant Server 0.06128; ExAC 0.07110; gnomAD 0.07267 and 0.07449; TOPMed 0.07318; 1000 Genomes Project 30x 0.11618; 1000 Genomes Project 0.11921.
gnomAD v4.1: 75,752 of 1,509,560 alleles (5%); highest among the groups gnomAD compares: East Asian, 23%; 3,121 homozygotes.

Submissions (2):

GeneDx
Classification: Benign. Last evaluated: 2018-06-14. Review status: criteria provided, single submitter. Criteria: GeneDx Variant Classification (06012015). Collection method: clinical testing. Allele origin: germline. Affected: yes.
Comment: This variant is considered likely benign or benign based on one or more of the following criteria: it is a conservative change, it occurs at a poorly conserved position in the protein, it is predicted to be benign by multiple in silico algorithms, and/or has population frequency not consistent with disease.

Breakthrough Genomics
Classification: Benign. Review status: criteria provided, single submitter. Criteria: ACMG Guidelines, 2015. Collection method: not provided. Allele origin: germline. Inheritance: Autosomal recessive inheritance. Affected: yes.